The following is an entry in ClinVar:

ClinVar aggregate classification (germline): Uncertain significance. Review status: criteria provided, multiple submitters, no conflicts (2 of 4 stars). 3 submissions from 3 submitters: Uncertain significance (3). Last evaluated 2025-10-03.

Conditions:
Hereditary cancer-predisposing syndrome. Also called: Tumor predisposition; Hereditary neoplastic syndrome; Neoplastic Syndromes, Hereditary; Hereditary Cancer Syndrome. Identifiers: Orphanet 140162, MedGen C0027672, MeSH D009386, MONDO:0015356.
Endometrial carcinoma. Also called: Endometrial carcinoma, somatic. Identifiers: MedGen C0476089, MONDO:0002447, OMIM 608089, HP:0012114.
Hereditary nonpolyposis colorectal neoplasms. Identifiers: MedGen C0009405, MeSH D003123.

gnomAD v4.1: 1 of 1,614,094 alleles (0.000062%); highest among the groups gnomAD compares: Non-Finnish European, 0.000085%; no homozygotes.

Submissions (3):

Ambry Genetics
Classification: Uncertain significance for Hereditary cancer-predisposing syndrome. Last evaluated: 2025-10-03. Review status: criteria provided, single submitter. Criteria: Ambry Variant Classification Scheme 2023. Collection method: clinical testing. Allele origin: germline.
Comment: The p.L700V variant (also known as c.2098C>G), located in coding exon 4 of the MSH6 gene, results from a C to G substitution at nucleotide position 2098. The leucine at codon 700 is replaced by valine, an amino acid with highly similar properties. This amino acid position is conserved. In addition, the in silico prediction for this alteration is inconclusive. Based on the available evidence, the clinical significance of this variant remains unclear.

Baylor Genetics
Classification: Uncertain significance for Endometrial carcinoma. Last evaluated: 2023-10-25. Review status: criteria provided, single submitter. Criteria: ACMG Guidelines, 2015. Collection method: clinical testing. Allele origin: unknown.

Labcorp Genetics (formerly Invitae), Labcorp
Classification: Uncertain significance for Hereditary nonpolyposis colorectal neoplasms. Last evaluated: 2019-12-27. Review status: criteria provided, single submitter. Criteria: Invitae Variant Classification Sherloc (09022015). Collection method: clinical testing. Allele origin: germline.
Comment: In summary, the available evidence is currently insufficient to determine the role of this variant in disease. Therefore, it has been classified as a Variant of Uncertain Significance. Algorithms developed to predict the effect of missense changes on protein structure and function are either unavailable or do not agree on the potential impact of this missense change (SIFT: "Deleterious"; PolyPhen-2: "Probably Damaging"; Align-GVGD: "Class C0"). This variant has not been reported in the literature in individuals with MSH6-related conditions. This variant is not present in population databases (ExAC no frequency). This sequence change replaces leucine with valine at codon 700 of the MSH6 protein (p.Leu700Val). The leucine residue is highly conserved and there is a small physicochemical difference between leucine and valine.

NM_000179.3(MSH6):c.2098C>G (p.Leu700Val)

Gene: MSH6 (mutS homolog 6; plus strand). Cytogenetic location: 2p16.3.
Variant type: single nucleotide variant.
Coding change: c.2098C>G on transcript NM_000179.3 (MANE Select); coding-DNA position 2098, C replaced by G.
Protein change: p.Leu700Val; replaces leucine 700 with valine.
Molecular consequence: missense variant.
Genome position (GRCh38, 1-based): chr2:47,800,081, C>G. VCF-style: chr2-47800081-C-G. GRCh37 (hg19) VCF-style: chr2-48027220-C-G.
Other names: c.1708C>G, p.Leu570Val (NM_001281492.2); c.1192C>G, p.Leu398Val (NM_001281493.2, NM_001281494.2); short protein forms L700V, L398V, L570V.
Identifiers: ClinVar variation 858259 (VCV000858259.12), dbSNP rs587779230, ClinGen allele CA346750891.